The following is an entry in ClinVar:

NM_014140.4(SMARCAL1):c.488C>A (p.Thr163Asn)

Gene: SMARCAL1 (SNF2 related chromatin remodeling annealing helicase 1; plus strand). Cytogenetic location: 2q35.
Variant type: single nucleotide variant.
Coding change: c.488C>A on transcript NM_014140.4 (MANE Select); coding-DNA position 488, C replaced by A.
Protein change: p.Thr163Asn; replaces threonine 163 with asparagine.
Molecular consequence: missense variant.
Genome position (GRCh38, 1-based): chr2:216,415,192, C>A. VCF-style: chr2-216415192-C-A. GRCh37 (hg19) VCF-style: chr2-217279915-C-A.
Other names: c.488C>A, p.Thr163Asn (NM_001127207.2); short protein forms T163N.
Identifiers: ClinVar variation 640969 (VCV000640969.7), dbSNP rs748188404, ClinGen allele CA2097599.

ClinVar aggregate classification (germline): Uncertain significance. Review status: criteria provided, multiple submitters, no conflicts (2 of 4 stars). 3 submissions from 3 submitters: Uncertain significance (2). 1 of the submissions does not count toward it. Last evaluated 2022-09-07.

Conditions:
Schimke immuno-osseous dysplasia (SIOD). Also called: Schimke Immunoosseous Dysplasia. Identifiers: Orphanet 1830, MedGen C0877024, MONDO:0009458, OMIM 242900.

Allele frequency attached by ClinVar (database versions not stated): gnomAD 0.00002; TOPMed 0.00002; ExAC 0.00003; gnomAD exomes 0.00004.
gnomAD v4.1: 27 of 1,613,732 alleles (0.0017%); highest among the groups gnomAD compares: Admixed American, 0.013%; no homozygotes.

Submissions (3):

Labcorp Genetics (formerly Invitae), Labcorp
Classification: Uncertain significance for Schimke immuno-osseous dysplasia. Last evaluated: 2022-09-07. Review status: criteria provided, single submitter. Criteria: Invitae Variant Classification Sherloc (09022015). Collection method: clinical testing. Allele origin: germline.
Comment: This sequence change replaces threonine, which is neutral and polar, with asparagine, which is neutral and polar, at codon 163 of the SMARCAL1 protein (p.Thr163Asn). This variant is present in population databases (rs748188404, gnomAD 0.02%). This variant has not been reported in the literature in individuals affected with SMARCAL1-related conditions. ClinVar contains an entry for this variant (Variation ID: 640969). Algorithms developed to predict the effect of missense changes on protein structure and function (SIFT, PolyPhen-2, Align-GVGD) all suggest that this variant is likely to be tolerated. In summary, the available evidence is currently insufficient to determine the role of this variant in disease. Therefore, it has been classified as a Variant of Uncertain Significance.

Fulgent Genetics
Classification: Uncertain significance for Schimke immuno-osseous dysplasia. Last evaluated: 2022-02-09. Review status: criteria provided, single submitter. Criteria: ACMG Guidelines, 2015. Collection method: clinical testing. Allele origin: unknown.

Natera, Inc.
Classification: Uncertain significance for Schimke immuno-osseous dysplasia. Last evaluated: 2021-01-28. Review status: no assertion criteria provided. Collection method: clinical testing. Allele origin: germline. Not counted in ClinVar's aggregate classification.